The following is an entry in ClinVar:

NM_006180.6(NTRK2):c.191A>C (p.Asp64Ala)

Gene: NTRK2 (neurotrophic receptor tyrosine kinase 2; plus strand). Cytogenetic location: 9q21.33.
Variant type: single nucleotide variant.
Coding change: c.191A>C on transcript NM_006180.6 (MANE Select); coding-DNA position 191, A replaced by C.
Protein change: p.Asp64Ala; replaces aspartic acid 64 with alanine.
Molecular consequence: missense variant.
Genome position (GRCh38, 1-based): chr9:84,670,939, A>C. VCF-style: chr9-84670939-A-C. GRCh37 (hg19) VCF-style: chr9-87285854-A-C.
Other names: c.191A>C, p.Asp64Ala (NM_001007097.3, NM_001018064.3, NM_001018065.2 and 19 more transcripts); c.191A>C (NM_006180.3); short protein forms D64A.
Identifiers: ClinVar variation 2962131 (VCV002962131.4), dbSNP rs781249905, ClinGen allele CA374004929.

ClinVar aggregate classification (germline): Uncertain significance. Review status: criteria provided, multiple submitters, no conflicts (2 of 4 stars). 2 submissions from 2 submitters: Uncertain significance (2). Last evaluated 2025-01-21.

Conditions:
Inborn genetic diseases. Identifiers: MedGen C0950123, MeSH D030342.

Allele frequency attached by ClinVar (database versions not stated): gnomAD 0.00001; TOPMed 0.00002.
gnomAD v4.1: 21 of 1,605,930 alleles (0.0013%); highest among the groups gnomAD compares: Non-Finnish European, 0.0017%; no homozygotes.

Submissions (2):

Ambry Genetics
Classification: Uncertain significance for Inborn genetic diseases. Last evaluated: 2025-01-21. Review status: criteria provided, single submitter. Criteria: Ambry Variant Classification Scheme 2023. Collection method: clinical testing. Allele origin: germline.

Labcorp Genetics (formerly Invitae), Labcorp
Classification: Uncertain significance. Last evaluated: 2024-04-17. Review status: criteria provided, single submitter. Criteria: Invitae Variant Classification Sherloc (09022015). Collection method: clinical testing. Allele origin: germline.
Comment: This sequence change replaces aspartic acid, which is acidic and polar, with alanine, which is neutral and non-polar, at codon 64 of the NTRK2 protein (p.Asp64Ala). This variant is not present in population databases (gnomAD no frequency). This variant has not been reported in the literature in individuals affected with NTRK2-related conditions. Advanced modeling of protein sequence and biophysical properties (such as structural, functional, and spatial information, amino acid conservation, physicochemical variation, residue mobility, and thermodynamic stability) performed at Invitae indicates that this missense variant is not expected to disrupt NTRK2 protein function with a negative predictive value of 80%. In summary, the available evidence is currently insufficient to determine the role of this variant in disease. Therefore, it has been classified as a Variant of Uncertain Significance.